The following is an entry in ClinVar:

ClinVar aggregate classification (germline): Likely pathogenic (1 of 4 stars; one submission).

Conditions:
Severe intellectual disability-progressive spastic diplegia syndrome (NEDSDV). Also called: NEURODEVELOPMENTAL DISORDER WITH SPASTIC DIPLEGIA AND VISUAL DEFECTS; CTNNB1 Neurodevelopmental Disorder. Identifiers: Orphanet 404473, MedGen C3554449, MONDO:0014035, OMIM 615075.

Submission:

Institute of Human Genetics, University of Goettingen
Classification: Likely pathogenic for Severe intellectual disability-progressive spastic diplegia syndrome. Last evaluated: 2024-04-05. Review status: criteria provided, single submitter. Criteria: ACMG Guidelines, 2015. Collection method: clinical testing. Allele origin: unknown. Inheritance: Autosomal dominant inheritance. Affected: yes. Observed: 1 heterozygote.
Comment: PVS1:Null variant (nonsense) in gene CTNNB1, predicted to cause NMD. Loss-of-function is a known mechanism of disease (gene has 213 reported pathogenic LOF variants). The exon contains 18 pathogenic variants. The truncated region contains 217 pathogenic variants. PM2:Variant not found in gnomAD genomes, good gnomAD genomes coverage = 32.7.Variant not found in gnomAD exomes, good gnomAD exomes coverage = 91.0.

NM_001904.4(CTNNB1):c.374T>A (p.Leu125Ter)

Genes: CTNNB1 (catenin beta 1; plus strand), LOC126806658 (BRD4-independent group 4 enhancer GRCh37_chr3:41265899-41267098; plus strand). Cytogenetic location: 3p22.1.
Variant type: single nucleotide variant.
Coding change: c.374T>A on transcript NM_001904.4 (MANE Select); coding-DNA position 374, T replaced by A.
Protein change: p.Leu125Ter; replaces leucine 125 with a stop codon.
Molecular consequence: nonsense.
Genome position (GRCh38, 1-based): chr3:41,225,086, T>A. VCF-style: chr3-41225086-T-A. GRCh37 (hg19) VCF-style: chr3-41266577-T-A.
Other names: c.374T>A, p.Leu125Ter (NM_001098209.2, NM_001098210.2); c.353T>A, p.Leu118Ter (NM_001330729.2); short protein forms L118*, L125*.
Identifiers: ClinVar variation 3338669 (VCV003338669.2).